The following is an entry in ClinVar:

NM_007294.4(BRCA1):c.842G>A (p.Ser281Asn)

Gene: BRCA1 (BRCA1 DNA repair associated; minus strand). Cytogenetic location: 17q21.31.
Variant type: single nucleotide variant.
Coding change: c.842G>A on transcript NM_007294.4 (MANE Select); coding-DNA position 842, G replaced by A.
Protein change: p.Ser281Asn; replaces serine 281 with asparagine.
Molecular consequence: missense variant. On other transcripts: intron variant (137), 5 prime UTR variant (2).
Genome position (GRCh38, 1-based): chr17:43,094,689, C>T on the plus strand (G>A on the coding strand, the complement: BRCA1 is on the minus strand). VCF-style: chr17-43094689-C-T. GRCh37 (hg19) VCF-style: chr17-41246706-C-T.
Other names: c.784+55G>A (NM_001408399.1, NM_001407984.1, NM_001408397.1 and 13 more transcripts); c.670+1157G>A (NM_001408419.1, NM_001408423.1, NM_001408420.1 and 2 more transcripts); c.787+55G>A (NM_001408403.1, NM_001407983.1, NM_001407975.1 and 19 more transcripts); c.664+55G>A (NM_001408443.1, NM_001408439.1, NM_001408425.1 and 12 more transcripts); c.629G>A, p.Ser210Asn (NM_001407571.1, NM_001407853.1, NM_001407894.1 and 9 more transcripts); c.842G>A, p.Ser281Asn (NM_001407581.1, NM_001407582.1, NM_001407583.1 and 30 more transcripts); c.839G>A, p.Ser280Asn (NM_001407587.1, NM_001407590.1, NM_001407591.1 and 22 more transcripts); c.833G>A, p.Ser278Asn (NM_001407646.1, NM_001407647.1); and 40 more; short protein forms S154N, S169N, S210N, S211N, S240N, S254N, S280N, S281N.
Identifiers: ClinVar variation 1763350 (VCV001763350.4), dbSNP rs1567801816, ClinGen allele CA10600400.

ClinVar aggregate classification (germline): Conflicting classifications of pathogenicity. Review status: criteria provided, conflicting classifications (1 of 4 stars). 2 submissions from 2 submitters: Uncertain significance (1); Likely benign (1). Last evaluated 2023-03-23.

Conditions:
Hereditary cancer-predisposing syndrome. Also called: Neoplastic Syndromes, Hereditary; Tumor predisposition; Hereditary Cancer Syndrome; Hereditary neoplastic syndrome. Identifiers: Orphanet 140162, MedGen C0027672, MeSH D009386, MONDO:0015356.

Submissions (2):

University of Washington Department of Laboratory Medicine, University of Washington
Classification: Likely benign for Hereditary cancer-predisposing syndrome. Last evaluated: 2023-03-23. Review status: criteria provided, single submitter. Criteria: Dines et al. (Genet Med. 2020). Collection method: curation. Allele origin: germline.
Comment: Missense variant in a coldspot region where missense variants are very unlikely to be pathogenic (PMID:31911673).

BRCA1 coldspot (exon 11 using historical exon numbering). Reclassification based on statistical prior probability

Ambry Genetics
Classification: Uncertain significance for Hereditary cancer-predisposing syndrome. Last evaluated: 2020-10-29. Review status: criteria provided, single submitter. Criteria: Ambry Variant Classification Scheme 2023. Collection method: clinical testing. Allele origin: germline.
Comment: The p.S281N variant (also known as c.842G>A), located in coding exon 9 of the BRCA1 gene, results from a G to A substitution at nucleotide position 842. The serine at codon 281 is replaced by asparagine, an amino acid with highly similar properties. This amino acid position is well conserved in available vertebrate species. In addition, the in silico prediction for this alteration is inconclusive. Since supporting evidence is limited at this time, the clinical significance of this alteration remains unclear.